The following is an entry in ClinVar:

ClinVar aggregate classification (germline): Uncertain significance (1 of 4 stars; one submission).

Allele frequency attached by ClinVar (database versions not stated): gnomAD exomes 0.00001; ExAC 0.00002; TOPMed 0.00002; gnomAD 0.00003.
gnomAD v4.1: 7 of 1,592,970 alleles (0.00044%); highest among the groups gnomAD compares: Admixed American, 0.012%; no homozygotes.

Submission:

Labcorp Genetics (formerly Invitae), Labcorp
Classification: Uncertain significance. Last evaluated: 2023-12-27. Review status: criteria provided, single submitter. Criteria: Invitae Variant Classification Sherloc (09022015). Collection method: clinical testing. Allele origin: germline.
Comment: This sequence change replaces serine, which is neutral and polar, with asparagine, which is neutral and polar, at codon 115 of the RAB11B protein (p.Ser115Asn). The frequency data for this variant in the population databases is considered unreliable, as metrics indicate poor data quality at this position in the gnomAD database. This variant has not been reported in the literature in individuals affected with RAB11B-related conditions. Algorithms developed to predict the effect of missense changes on protein structure and function output the following: SIFT: "Not Available"; PolyPhen-2: "Benign"; Align-GVGD: "Not Available". The asparagine amino acid residue is found in multiple mammalian species, which suggests that this missense change does not adversely affect protein function. In summary, the available evidence is currently insufficient to determine the role of this variant in disease. Therefore, it has been classified as a Variant of Uncertain Significance.

NM_004218.4(RAB11B):c.344G>A (p.Ser115Asn)

Gene: RAB11B (RAB11B, member RAS oncogene family; plus strand). Cytogenetic location: 19p13.2.
Variant type: single nucleotide variant.
Coding change: c.344G>A on transcript NM_004218.4 (MANE Select); coding-DNA position 344, G replaced by A.
Protein change: p.Ser115Asn; replaces serine 115 with asparagine.
Molecular consequence: missense variant.
Genome position (GRCh38, 1-based): chr19:8,402,193, G>A. VCF-style: chr19-8402193-G-A. GRCh37 (hg19) VCF-style: chr19-8467077-G-A.
Other names: short protein forms S115N.
Identifiers: ClinVar variation 2890864 (VCV002890864.3), dbSNP rs375511185, ClinGen allele CA9156338.